The following is an entry in ClinVar:

ClinVar aggregate classification (germline): Likely benign. Review status: criteria provided, multiple submitters, no conflicts (2 of 4 stars). 3 submissions from 3 submitters: Likely benign (3). Last evaluated 2026-07-14.

Conditions:
PITPNM3-related disorder. Also called: PITPNM3-related condition.

Allele frequency attached by ClinVar (database versions not stated): gnomAD exomes 0.00002 and 0.00004; ExAC 0.00005; gnomAD 0.00018; 1000 Genomes Project 0.00020; ESP Exome Variant Server 0.00023; TOPMed 0.00025; 1000 Genomes Project 30x 0.00031.
gnomAD v4.1: 54 of 1,613,998 alleles (0.0033%); highest among the groups gnomAD compares: African/African-American, 0.059%; 1 homozygote.

Submissions (3):

PreventionGenetics, part of Exact Sciences
Classification: Likely benign for PITPNM3-related condition. Last evaluated: 2026-07-14. Review status: criteria provided, single submitter. Criteria: ACMG Guidelines, 2015. Collection method: clinical testing. Allele origin: germline.
Comment: This variant is classified as likely benign based on ACMG/AMP sequence variant interpretation guidelines (Richards et al. 2015 PMID: 25741868, with internal and published modifications).

Labcorp Genetics (formerly Invitae), Labcorp
Classification: Likely benign. Last evaluated: 2025-07-30. Review status: criteria provided, single submitter. Criteria: Invitae Variant Classification Sherloc (09022015). Collection method: clinical testing. Allele origin: germline.

Blueprint Genetics
Classification: Likely benign. Last evaluated: 2023-07-19. Review status: criteria provided, single submitter. Criteria: ACMG Guidelines, 2015. Collection method: clinical testing. Allele origin: germline.

NM_031220.4(PITPNM3):c.1625-4A>G

Gene: PITPNM3 (PITPNM family member 3; minus strand). Cytogenetic location: 17p13.2.
Variant type: single nucleotide variant.
Coding change: c.1625-4A>G on transcript NM_031220.4 (MANE Select); 4 bases into the intron before coding-DNA position 1625, A replaced by G.
Molecular consequence: intron variant.
Genome position (GRCh38, 1-based): chr17:6,470,412, T>C on the plus strand (A>G on the coding strand, the complement: PITPNM3 is on the minus strand). VCF-style: chr17-6470412-T-C. GRCh37 (hg19) VCF-style: chr17-6373732-T-C.
Other names: c.1517-4A>G (NM_001165966.2); c.1625-4A>G (NM_031220.3).
Identifiers: ClinVar variation 1131505 (VCV001131505.11), dbSNP rs201735102, ClinGen allele CA8329425.